The following is an entry in ClinVar:

ClinVar aggregate classification (germline): Uncertain significance (1 of 4 stars; one submission).

Submission:

Labcorp Genetics (formerly Invitae), Labcorp
Classification: Uncertain significance. Last evaluated: 2022-03-31. Review status: criteria provided, single submitter. Criteria: Invitae Variant Classification Sherloc (09022015). Collection method: clinical testing. Allele origin: germline.
Comment: This variant is not present in population databases (gnomAD no frequency). In summary, the available evidence is currently insufficient to determine the role of this variant in disease. Therefore, it has been classified as a Variant of Uncertain Significance. Variants that disrupt the consensus splice site are a relatively common cause of aberrant splicing (PMID: 17576681, 9536098). Algorithms developed to predict the effect of sequence changes on RNA splicing suggest that this variant may disrupt the consensus splice site. This variant has been observed in individual(s) with RP2-related conditions (Invitae). This sequence change falls in intron 2 of the RP2 gene. It does not directly change the encoded amino acid sequence of the RP2 protein. It affects a nucleotide within the consensus splice site.

Literature cited by the submitters: PubMed 17576681; PubMed 9536098.

NM_006915.3(RP2):c.769-3C>G

Gene: RP2 (RP2 activator of ARL3 GTPase; plus strand). Cytogenetic location: Xp11.3.
Variant type: single nucleotide variant.
Coding change: c.769-3C>G on transcript NM_006915.3 (MANE Select); 3 bases into the intron before coding-DNA position 769, C replaced by G.
Molecular consequence: intron variant.
Genome position (GRCh38, 1-based): chrX:46,859,985, C>G. VCF-style: chrX-46859985-C-G. GRCh37 (hg19) VCF-style: chrX-46719420-C-G.
Identifiers: ClinVar variation 2119993 (VCV002119993.4), dbSNP rs1925035156, ClinGen allele CA2580101063.
Genomic context (GRCh38, chrX:46,859,985, plus strand): 5'-GGAAATCATTGTTTTAGTCTCAGAAGTTCATTTTAAAATCTCAATGAAATTTTATTTTCA[C>G]AGATGGTTGGTAAAGGCTTTTTCCTAGTTCAGACAAAGGAAGTGTCCATGAAAGCTGAGG-3'